The following is an entry in ClinVar:

NM_178229.5(IQGAP3):c.4248G>A (p.Pro1416=)

Gene: IQGAP3 (IQ motif containing GTPase activating protein 3; minus strand). Cytogenetic location: 1q22.
Variant type: single nucleotide variant.
Coding change: c.4248G>A on transcript NM_178229.5 (MANE Select); coding-DNA position 4248, G replaced by A.
Protein change: p.Pro1416=; no amino-acid change (proline 1416 retained).
Molecular consequence: synonymous variant.
Genome position (GRCh38, 1-based): chr1:156,530,261, C>T on the plus strand (G>A on the coding strand, the complement: IQGAP3 is on the minus strand). VCF-style: chr1-156530261-C-T. GRCh37 (hg19) VCF-style: chr1-156500053-C-T.
Identifiers: ClinVar variation 3051289 (VCV003051289.2), dbSNP rs369608391, ClinGen allele CA1160758.
Genomic context (GRCh38, chr1:156,530,261, plus strand): 5'-CTTCTCTGCCAGTGGCAGGAGGGAGTGAGCTGTCAGTGAGCGGTGTCGTCGCAGTGGCTC[C>T]GGTGTCTGGGCTGTACAGGCCTGGCGTCGGCTCATCAGCTGCTTGTGGGCTGCTTCCTGG-3'
Protein context (NP_839943.3, residues 1406-1426): SRRQACTAQT[Pro1416=]EPLRRHRSLT

ClinVar aggregate classification (germline): Likely benign (0 of 4 stars; one submission).

Conditions:
IQGAP3-related disorder. Also called: IQGAP3-related condition.

Allele frequency attached by ClinVar (database versions not stated): TOPMed 0.00002; gnomAD 0.00005; ESP Exome Variant Server 0.00008; gnomAD exomes 0.00011; ExAC 0.00014.
gnomAD v4.1: 174 of 1,612,440 alleles (0.011%); highest among the groups gnomAD compares: Middle Eastern, 0.12%; 2 homozygotes.

Submission:

PreventionGenetics, part of Exact Sciences
Classification: Likely benign for IQGAP3-related condition. Last evaluated: 2020-01-13. Review status: no assertion criteria provided. Collection method: clinical testing. Allele origin: germline.
Comment: This variant is classified as likely benign based on ACMG/AMP sequence variant interpretation guidelines (Richards et al. 2015 PMID: 25741868, with internal and published modifications).